The following is an entry in ClinVar:

ClinVar aggregate classification (germline): Uncertain significance. Review status: criteria provided, multiple submitters, no conflicts (2 of 4 stars). 2 submissions from 2 submitters: Uncertain significance (2). Last evaluated 2023-01-24.

Conditions:
Neurodevelopmental disorder with cerebellar atrophy and motor dysfunction. Identifiers: MedGen C5543427, MONDO:0859152, OMIM 619333.

Submissions (2):

Baylor Genetics
Classification: Uncertain significance for Neurodevelopmental disorder with cerebellar atrophy and motor dysfunction. Last evaluated: 2023-01-24. Review status: criteria provided, single submitter. Criteria: ACMG Guidelines, 2015. Collection method: clinical testing. Allele origin: unknown.

GeneDx
Classification: Uncertain significance. Last evaluated: 2019-12-16. Review status: criteria provided, single submitter. Criteria: GeneDx Variant Classification Process June 2021. Collection method: clinical testing. Allele origin: germline. Affected: yes.
Comment: Not observed in large population cohorts (Lek et al., 2016); In silico analysis, which includes protein predictors and evolutionary conservation, supports that this variant does not alter protein structure/function; Has not been previously published as pathogenic or benign to our knowledge; Variants in candidate genes are classified as variants of uncertain significance in accordance with ACMG guidelines (Richards et al., 2015)

NM_015465.5(GEMIN5):c.853C>T (p.Leu285Phe)

Gene: GEMIN5 (gem nuclear organelle associated protein 5; minus strand). Cytogenetic location: 5q33.2.
Variant type: single nucleotide variant.
Coding change: c.853C>T on transcript NM_015465.5 (MANE Select); coding-DNA position 853, C replaced by T.
Protein change: p.Leu285Phe; replaces leucine 285 with phenylalanine.
Molecular consequence: missense variant.
Genome position (GRCh38, 1-based): chr5:154,928,588, G>A on the plus strand (C>T on the coding strand, the complement: GEMIN5 is on the minus strand). VCF-style: chr5-154928588-G-A. GRCh37 (hg19) VCF-style: chr5-154308148-G-A.
Other names: c.850C>T, p.Leu284Phe (NM_001252156.2); short protein forms L284F, L285F.
Identifiers: ClinVar variation 1318721 (VCV001318721.3), dbSNP rs2113507966, ClinGen allele CA361927177.